The following is an entry in ClinVar:

NC_000014.8:g.(?_102843059)_(102964594_?)del

Gene: TECPR2 (tectonin beta-propeller repeat containing 2; plus strand). Cytogenetic location: 14q32.31.
Variant type: Deletion.
Identifiers: ClinVar variation 3244023 (VCV003244023.1).

ClinVar aggregate classification (germline): Pathogenic (1 of 4 stars; one submission).

Conditions:
Hereditary spastic paraplegia 49 (HSAN9). Also called: Spastic paraplegia 49, autosomal recessive; TECPR2-Related Hereditary Sensory and Autonomic Neuropathy with Intellectual Disability; NEUROPATHY, HEREDITARY SENSORY AND AUTONOMIC, TYPE IX, WITH DEVELOPMENTAL DELAY. Identifiers: Orphanet 320385, MedGen C5190860, MONDO:0014016, OMIM 615031.

Submission:

Labcorp Genetics (formerly Invitae), Labcorp
Classification: Pathogenic for Hereditary spastic paraplegia 49. Last evaluated: 2023-12-03. Review status: criteria provided, single submitter. Criteria: Invitae Variant Classification Sherloc (09022015). Collection method: clinical testing. Allele origin: unknown.
Comment: A gross deletion of the genomic region encompassing the full coding sequence of the TECPR2 gene has been identified. Loss-of-function variants in TECPR2 are known to be pathogenic (PMID: 23176824, 25590979). The boundaries of this event are unknown as they extend beyond the assayed region for this gene and therefore may encompass additional genes. This variant has not been reported in the literature in individuals affected with TECPR2-related conditions. For these reasons, this variant has been classified as Pathogenic.

Literature cited by the submitters: PubMed 23176824; PubMed 25590979.